The following is an entry in ClinVar:

NM_005932.4(MIPEP):c.1881G>A (p.Gly627=)

Gene: MIPEP (mitochondrial intermediate peptidase; minus strand). Cytogenetic location: 13q12.12.
Variant type: single nucleotide variant.
Coding change: c.1881G>A on transcript NM_005932.4 (MANE Select); coding-DNA position 1881, G replaced by A.
Protein change: p.Gly627=; no amino-acid change (glycine 627 retained).
Molecular consequence: synonymous variant.
Genome position (GRCh38, 1-based): chr13:23,760,185, C>T on the plus strand (G>A on the coding strand, the complement: MIPEP is on the minus strand). VCF-style: chr13-23760185-C-T. GRCh37 (hg19) VCF-style: chr13-24334324-C-T.
Identifiers: ClinVar variation 2138400 (VCV002138400.26), dbSNP rs765234272, ClinGen allele CA6912794.

ClinVar aggregate classification (germline): Benign/Likely benign. Review status: criteria provided, multiple submitters, no conflicts (2 of 4 stars). 3 submissions from 3 submitters: Benign (1); Likely benign (2). Last evaluated 2025-07-22.

Allele frequency attached by ClinVar (database versions not stated): TOPMed 0.00006; gnomAD 0.00029.
gnomAD v4.1: 374 of 1,613,958 alleles (0.023%); highest among the groups gnomAD compares: Admixed American, 0.012%; 1 homozygote.

Submissions (3):

Labcorp Genetics (formerly Invitae), Labcorp
Classification: Benign. Last evaluated: 2025-07-22. Review status: criteria provided, single submitter. Criteria: Invitae Variant Classification Sherloc (09022015). Collection method: clinical testing. Allele origin: germline.

Blueprint Genetics
Classification: Likely benign. Last evaluated: 2024-11-07. Review status: criteria provided, single submitter. Criteria: ACMG Guidelines, 2015. Collection method: clinical testing. Allele origin: germline.

CeGaT Center for Human Genetics Tuebingen
Classification: Likely benign. Last evaluated: 2024-03-01. Review status: criteria provided, single submitter. Criteria: CeGaT Center For Human Genetics Tuebingen Variant Classification Criteria Version 2. Collection method: clinical testing. Allele origin: germline. Affected: yes. Observed: 1 variant allele.
Comment: MIPEP: BP4, BP7